The following is an entry in ClinVar:

ClinVar aggregate classification (germline): Uncertain significance (1 of 4 stars; one submission).

Submission:

Labcorp Genetics (formerly Invitae), Labcorp
Classification: Uncertain significance. Last evaluated: 2023-12-11. Review status: criteria provided, single submitter. Criteria: Invitae Variant Classification Sherloc (09022015). Collection method: clinical testing. Allele origin: germline.
Comment: This sequence change replaces threonine, which is neutral and polar, with isoleucine, which is neutral and non-polar, at codon 460 of the ERCC2 protein (p.Thr460Ile). This variant is not present in population databases (gnomAD no frequency). This variant has not been reported in the literature in individuals affected with ERCC2-related conditions. ClinVar contains an entry for this variant (Variation ID: 2014855). An algorithm developed to predict the effect of missense changes on protein structure and function (PolyPhen-2) suggests that this variant is likely to be disruptive. In summary, the available evidence is currently insufficient to determine the role of this variant in disease. Therefore, it has been classified as a Variant of Uncertain Significance.

NM_000400.4(ERCC2):c.1379C>T (p.Thr460Ile)

Gene: ERCC2 (ERCC excision repair 2, TFIIH core complex helicase subunit; minus strand). Cytogenetic location: 19q13.32.
Variant type: single nucleotide variant.
Coding change: c.1379C>T on transcript NM_000400.4 (MANE Select); coding-DNA position 1379, C replaced by T.
Protein change: p.Thr460Ile; replaces threonine 460 with isoleucine.
Molecular consequence: missense variant.
Genome position (GRCh38, 1-based): chr19:45,357,370, G>A on the plus strand (C>T on the coding strand, the complement: ERCC2 is on the minus strand). VCF-style: chr19-45357370-G-A. GRCh37 (hg19) VCF-style: chr19-45860628-G-A.
Other names: short protein forms T460I.
Identifiers: ClinVar variation 2014855 (VCV002014855.4), dbSNP rs2514012702, ClinGen allele CA406367301.